The following is an entry in ClinVar:

NM_001281740.3(FHOD3):c.3328C>T (p.Leu1110=)

Gene: FHOD3 (formin homology 2 domain containing 3; plus strand). Cytogenetic location: 18q12.2.
Variant type: single nucleotide variant.
Coding change: c.3328C>T on transcript NM_001281740.3 (MANE Select); coding-DNA position 3328, C replaced by T.
Protein change: p.Leu1110=; no amino-acid change (leucine 1110 retained).
Molecular consequence: synonymous variant.
Genome position (GRCh38, 1-based): chr18:36,718,626, C>T. VCF-style: chr18-36718626-C-T. GRCh37 (hg19) VCF-style: chr18-34298589-C-T.
Other names: c.2752C>T, p.Leu918= (NM_001281739.3); c.2803C>T, p.Leu935= (NM_025135.5).
Identifiers: ClinVar variation 4981262 (VCV004981262.1).
Genomic context (GRCh38, chr18:36,718,626, plus strand): 5'-TGGAATGAAGTTCGGCCTTTTGACTGGCCATGTAAAAACAACCGACGCTGCAGAGAATTC[C>T]TGTGGTCAAAACTGGAACCCATTAAGGTGGACACTTCCAGACTGGAGCACCTGTTTGAGT-3'
Protein context (NP_001268669.1, residues 1100-1120): CKNNRRCREF[Leu1110=]WSKLEPIKVD

ClinVar aggregate classification (germline): Likely benign (1 of 4 stars; one submission).

Conditions:
FHOD3-related disorder. Also called: FHOD3-related condition.

gnomAD v4.1: 89 of 1,614,132 alleles (0.0055%); highest among the groups gnomAD compares: African/African-American, 0.068%; no homozygotes.

Submission:

PreventionGenetics, part of Exact Sciences
Classification: Likely benign for FHOD3-related condition. Last evaluated: 2025-12-17. Review status: criteria provided, single submitter. Criteria: ACMG Guidelines, 2015. Collection method: clinical testing. Allele origin: germline.
Comment: This variant is classified as likely benign based on ACMG/AMP sequence variant interpretation guidelines (Richards et al. 2015 PMID: 25741868, with internal and published modifications).